The following is an entry in ClinVar:

ClinVar aggregate classification (germline): Pathogenic/Likely pathogenic. Review status: criteria provided, multiple submitters, no conflicts (2 of 4 stars). 3 submissions from 3 submitters: Pathogenic (2); Likely pathogenic (1). Last evaluated 2025-12-16.

Conditions:
Hypophosphatasia. Also called: Phosphoethanol-aminuria. Identifiers: Orphanet 436, MedGen C0020630, MeSH D007014, MONDO:0018570.
Adult hypophosphatasia. Identifiers: Orphanet 247676, Orphanet 436, MedGen C0268413, MONDO:1010154, OMIM 146300, MONDO:0007798.

Allele frequency attached by ClinVar (database versions not stated): gnomAD exomes 0.00001; gnomAD 0.00001; TOPMed 0.00001.
gnomAD v4.1: 20 of 1,613,842 alleles (0.0012%); highest among the groups gnomAD compares: Non-Finnish European, 0.0014%; no homozygotes.

Submissions (3):

Labcorp Genetics (formerly Invitae), Labcorp
Classification: Pathogenic. Last evaluated: 2025-12-16. Review status: criteria provided, single submitter. Criteria: Invitae Variant Classification Sherloc (09022015). Collection method: clinical testing. Allele origin: germline.
Comment: This sequence change replaces valine, which is neutral and non-polar, with methionine, which is neutral and non-polar, at codon 128 of the ALPL protein (p.Val128Met). This variant is not present in population databases (gnomAD no frequency). This missense change has been observed in individual(s) with hypophosphatasia (PMID: 11855933, 23093139, 32160374). This variant is also known as p.Val111Met. ClinVar contains an entry for this variant (Variation ID: 2676585). Invitae Evidence Modeling of protein sequence and biophysical properties (such as structural, functional, and spatial information, amino acid conservation, physicochemical variation, residue mobility, and thermodynamic stability) indicates that this missense variant is expected to disrupt ALPL protein function with a positive predictive value of 95%. Experimental studies have shown that this missense change affects ALPL function (PMID: 32160374). For these reasons, this variant has been classified as Pathogenic.

Genomenon, Inc
Classification: Likely pathogenic for Hypophosphatasia. Last evaluated: 2025-08-29. Review status: criteria provided, single submitter. Criteria: Genomenon Sequence Variant Interpretation Standards. Collection method: curation. Allele origin: germline. Affected: yes.
Comment: ALPL c.382G>A is a missense variant that changes the amino acid at residue 128 from Valine to Methionine. This variant has been observed in at least one proband affected with hypophosphatasia (PMID:39506814;32973344;33742171;23093139;36361766;29774402;18925618;11855933). The variant was found to segregate with disease in at least one affected family (PMID:23093139). Functional studies have been reported;however, the significance of the findings remain unclear (PMID:32160374). It is absent or not present at a significant frequency in gnomAD. In silico models agree that this variant is possibly or probably damaging. In conclusion, we classify ALPL p.Val128Met (c.382G>A) as a likely pathogenic variant.

Baylor Genetics
Classification: Pathogenic for Adult hypophosphatasia. Last evaluated: 2024-03-19. Review status: criteria provided, single submitter. Criteria: ACMG Guidelines, 2015. Collection method: clinical testing. Allele origin: unknown.

Literature cited by the submitters: PubMed 11855933 (cited by Labcorp Genetics (formerly Invitae), Labcorp and Genomenon, Inc); PubMed 23093139 (cited by Labcorp Genetics (formerly Invitae), Labcorp and Genomenon, Inc); PubMed 32160374 (cited by Labcorp Genetics (formerly Invitae), Labcorp and Genomenon, Inc); PubMed 39506814 (cited by Genomenon, Inc); PubMed 32973344 (cited by Genomenon, Inc); PubMed 33742171 (cited by Genomenon, Inc); PubMed 36361766 (cited by Genomenon, Inc); PubMed 29774402 (cited by Genomenon, Inc); PubMed 18925618 (cited by Genomenon, Inc).

NM_000478.6(ALPL):c.382G>A (p.Val128Met)

Gene: ALPL (alkaline phosphatase, biomineralization associated; plus strand). Cytogenetic location: 1p36.12.
Variant type: single nucleotide variant.
Coding change: c.382G>A on transcript NM_000478.6 (MANE Select); coding-DNA position 382, G replaced by A.
Protein change: p.Val128Met; replaces valine 128 with methionine.
Molecular consequence: missense variant.
Genome position (GRCh38, 1-based): chr1:21,563,194, G>A. VCF-style: chr1-21563194-G-A. GRCh37 (hg19) VCF-style: chr1-21889687-G-A.
Other names: c.217G>A, p.Val73Met (NM_001127501.4); c.151G>A, p.Val51Met (NM_001177520.3); c.382G>A, p.Val128Met (NM_001369803.2, NM_001369804.2, NM_001369805.2); short protein forms V128M, V51M, V73M.
Identifiers: ClinVar variation 2676585 (VCV002676585.6), dbSNP rs1159854007, ClinGen allele CA338877223.
Genomic context (GRCh38, chr1:21,563,194, plus strand): 5'-CCTGACAGTGCCGGCACCGCCACCGCCTACCTGTGTGGGGTGAAGGCCAATGAGGGCACC[G>A]TGGGGGTAAGCGCAGCCACTGAGCGTTCCCGGTGCAACACCACCCAGGGGAACGAGGTCA-3'
Protein context (NP_000469.3, residues 118-138): LCGVKANEGT[Val128Met]GVSAATERSR